The following is an entry in ClinVar:

ClinVar aggregate classification (germline): Conflicting classifications of pathogenicity. Review status: criteria provided, conflicting classifications (1 of 4 stars). 2 submissions from 2 submitters: Uncertain significance (1); Likely benign (1). Last evaluated 2025-09-27.

Conditions:
Inborn genetic diseases. Identifiers: MedGen C0950123, MeSH D030342.

Allele frequency attached by ClinVar (database versions not stated): ExAC 0.00002; 1000 Genomes Project 30x 0.00016; gnomAD 0.00003; gnomAD exomes 0.00003; 1000 Genomes Project 0.00020; TOPMed 0.00002.
gnomAD v4.1: 45 of 1,613,846 alleles (0.0028%); highest among the groups gnomAD compares: Admixed American, 0.0067%; no homozygotes.

Submissions (2):

Ambry Genetics
Classification: Likely benign for Inborn genetic diseases. Last evaluated: 2025-09-27. Review status: criteria provided, single submitter. Criteria: Ambry Variant Classification Scheme 2023. Collection method: clinical testing. Allele origin: germline.

Labcorp Genetics (formerly Invitae), Labcorp
Classification: Uncertain significance. Last evaluated: 2023-10-05. Review status: criteria provided, single submitter. Criteria: Invitae Variant Classification Sherloc (09022015). Collection method: clinical testing. Allele origin: germline.
Comment: This sequence change replaces valine, which is neutral and non-polar, with methionine, which is neutral and non-polar, at codon 5175 of the ADGRV1 protein (p.Val5175Met). This variant is present in population databases (rs535921202, gnomAD 0.009%). This variant has not been reported in the literature in individuals affected with ADGRV1-related conditions. Algorithms developed to predict the effect of missense changes on protein structure and function output the following: SIFT: "Not Available"; PolyPhen-2: "Benign"; Align-GVGD: "Not Available". The methionine amino acid residue is found in multiple mammalian species, which suggests that this missense change does not adversely affect protein function. In summary, the available evidence is currently insufficient to determine the role of this variant in disease. Therefore, it has been classified as a Variant of Uncertain Significance.

NM_032119.4(ADGRV1):c.15523G>A (p.Val5175Met)

Gene: ADGRV1 (adhesion G protein-coupled receptor V1; plus strand). Cytogenetic location: 5q14.3.
Variant type: single nucleotide variant.
Coding change: c.15523G>A on transcript NM_032119.4 (MANE Select); coding-DNA position 15523, G replaced by A.
Protein change: p.Val5175Met; replaces valine 5175 with methionine.
Molecular consequence: missense variant. On other transcripts: non-coding transcript variant (1).
Genome position (GRCh38, 1-based): chr5:90,810,783, G>A. VCF-style: chr5-90810783-G-A. GRCh37 (hg19) VCF-style: chr5-90106600-G-A.
Other names: c.15523G>A (NM_032119.3); short protein forms V5175M.
Identifiers: ClinVar variation 2914470 (VCV002914470.2), dbSNP rs535921202, ClinGen allele CA3341939.